The following is an entry in ClinVar:

NM_000260.4(MYO7A):c.2958del (p.Leu988fs)

Gene: MYO7A (myosin VIIA; plus strand). Cytogenetic location: 11q13.5.
Variant type: Deletion.
Coding change: c.2958del on transcript NM_000260.4 (MANE Select); coding-DNA position 2958, one base deleted (G; older notation c.2958delG).
Protein change: p.Leu988fs; shifts the reading frame from leucine 988.
Molecular consequence: frameshift variant.
Genome position (GRCh38, 1-based): chr11:77,182,004, G deleted. VCF-style (leftmost placement, unchanged base first): chr11-77182003-TG-T. GRCh37 (hg19) VCF-style: chr11-76893049-TG-T.
Other names: c.2958del, p.Leu988fs (NM_001127180.2); c.2925del, p.Leu977fs (NM_001369365.1); short protein forms L988fs, L977fs.
Identifiers: ClinVar variation 2707005 (VCV002707005.3), dbSNP rs2497220109, ClinGen allele CA2697548826.

ClinVar aggregate classification (germline): Pathogenic (1 of 4 stars; one submission).

Submission:

Labcorp Genetics (formerly Invitae), Labcorp
Classification: Pathogenic. Last evaluated: 2024-01-02. Review status: criteria provided, single submitter. Criteria: Invitae Variant Classification Sherloc (09022015). Collection method: clinical testing. Allele origin: germline.
Comment: This sequence change creates a premature translational stop signal (p.Leu988Cysfs*74) in the MYO7A gene. It is expected to result in an absent or disrupted protein product. Loss-of-function variants in MYO7A are known to be pathogenic (PMID: 8900236, 25404053). This variant is not present in population databases (gnomAD no frequency). This variant has not been reported in the literature in individuals affected with MYO7A-related conditions. For these reasons, this variant has been classified as Pathogenic.

Literature cited by the submitters: PubMed 8900236; PubMed 25404053.